The following is an entry in ClinVar:

NM_021074.5(NDUFV2):c.62_63del (p.His21fs)

Gene: NDUFV2 (NADH:ubiquinone oxidoreductase core subunit V2; plus strand). Cytogenetic location: 18p11.22.
Variant type: Deletion.
Coding change: c.62_63del on transcript NM_021074.5 (MANE Select); coding-DNA positions 62 to 63, 2 bases deleted (AT; older notation c.62_63delAT).
Protein change: p.His21fs; shifts the reading frame from histidine 21.
Molecular consequence: frameshift variant.
Genome position (GRCh38, 1-based): chr18:9,117,845-9,117,846, AT deleted. VCF-style (leftmost placement, unchanged base first): chr18-9117844-CAT-C. GRCh37 (hg19) VCF-style: chr18-9117842-CAT-C.
Other names: c.62_63delAT (NM_021074.5, NM_021074.3); short protein forms H21fs.
Identifiers: ClinVar variation 1194462 (VCV001194462.16), dbSNP rs754873418, ClinGen allele CA8887105.

ClinVar aggregate classification (germline): Pathogenic/Likely pathogenic. Review status: criteria provided, multiple submitters, no conflicts (2 of 4 stars). 6 submissions from 6 submitters: Pathogenic (2); Likely pathogenic (4). Last evaluated 2026-07-21.

Conditions:
Mitochondrial complex I deficiency, nuclear type 7. Also called: Mitochondrial complex 1 deficiency, nuclear type 7. Identifiers: MedGen C4748760, MONDO:0032612, OMIM 618229.

Allele frequency attached by ClinVar (database versions not stated): gnomAD exomes 0.00014 and 0.00008; TOPMed 0.00007; ExAC 0.00006; gnomAD 0.00012.

Submissions (6):

GeneDx
Classification: Likely pathogenic. Last evaluated: 2026-07-21. Review status: criteria provided, single submitter. Criteria: GeneDx Variant Classification Process June 2021. Collection method: clinical testing. Allele origin: germline.
Comment: Frameshift variant predicted to result in protein truncation or nonsense mediated decay in a gene for which loss of function is a known mechanism of disease; This variant is associated with the following publications: (PMID: 30770271)

Dasa
Classification: Likely pathogenic. Last evaluated: 2026-04-15. Review status: criteria provided, single submitter. Criteria: DASA Assertion Criteria. Collection method: clinical testing. Allele origin: germline.
Comment: NM_021074.5(NDUFV2):c.62_63del (p.His21Argfs*6) is a frameshift variant in NDUFV2 predicted to alter the reading frame and introduce a premature termination codon and is predicted to result in an absent or altered protein product. Loss of function is an established disease mechanism for NDUFV2-associated disorders. Also, this variant is rare in population databases. Based on the currently available evidence, this variant is classified as likely pathogenic.

Labcorp Genetics (formerly Invitae), Labcorp
Classification: Pathogenic. Last evaluated: 2025-10-02. Review status: criteria provided, single submitter. Criteria: Invitae Variant Classification Sherloc (09022015). Collection method: clinical testing. Allele origin: germline.
Comment: This sequence change creates a premature translational stop signal (p.His21Argfs*6) in the NDUFV2 gene. It is expected to result in an absent or disrupted protein product. Loss-of-function variants in NDUFV2 are known to be pathogenic (PMID: 12754703, 26008862). This variant is present in population databases (rs754873418, gnomAD 0.04%). This variant has not been reported in the literature in individuals affected with NDUFV2-related conditions. ClinVar contains an entry for this variant (Variation ID: 1194462). For these reasons, this variant has been classified as Pathogenic.

Genomic Medicine Center of Excellence, King Faisal Specialist Hospital and Research Centre
Classification: Likely pathogenic for Mitochondrial complex I deficiency, nuclear type 7. Last evaluated: 2025-09-10. Review status: criteria provided, single submitter. Criteria: ACMG Guidelines, 2015. Collection method: clinical testing. Allele origin: germline.

Women's Health and Genetics/Laboratory Corporation of America, LabCorp
Classification: Pathogenic for Mitochondrial complex I deficiency, nuclear type 7. Last evaluated: 2025-05-08. Review status: criteria provided, single submitter. Criteria: LabCorp Variant Classification Summary - May 2015. Collection method: clinical testing. Allele origin: germline.
Comment: Variant summary: NDUFV2 c.62_63delAT (p.His21ArgfsX6) results in a premature termination codon, predicted to cause a truncation of the encoded protein or absence of the protein due to nonsense mediated decay, which are commonly known mechanisms for disease. The variant allele was found at a frequency of 8e-05 in 250614 control chromosomes. This frequency is not significantly higher than estimated for a pathogenic variant in NDUFV2 causing Mitochondrial Complex 1 Deficiency, Nuclear Type 7, allowing no conclusion about variant significance. To our knowledge, no occurrence of c.62_63delAT in individuals affected with Mitochondrial Complex 1 Deficiency, Nuclear Type 7 and no experimental evidence demonstrating its impact on protein function have been reported. ClinVar contains an entry for this variant (Variation ID: 1194462). Based on the evidence outlined above, the variant was classified as pathogenic.

Revvity Omics, Revvity
Classification: Likely pathogenic for Mitochondrial complex I deficiency, nuclear type 7. Last evaluated: 2024-02-14. Review status: criteria provided, single submitter. Criteria: ACMG Guidelines, 2015. Collection method: clinical testing. Allele origin: germline.

Literature cited by the submitters: PubMed 12754703 (cited by Labcorp Genetics (formerly Invitae), Labcorp); PubMed 26008862 (cited by Labcorp Genetics (formerly Invitae), Labcorp).